The following is an entry in ClinVar:

NM_002458.3(MUC5B):c.7609T>G (p.Phe2537Val)

Genes: MUC5B (mucin 5B, oligomeric mucus/gel-forming; plus strand), MUC5B-AS1 (MUC5B antisense RNA 1; minus strand). Cytogenetic location: 11p15.5.
Variant type: single nucleotide variant.
Coding change: c.7609T>G on transcript NM_002458.3 (MANE Select); coding-DNA position 7609, T replaced by G.
Protein change: p.Phe2537Val; replaces phenylalanine 2537 with valine.
Molecular consequence: missense variant.
Genome position (GRCh38, 1-based): chr11:1,244,489, T>G. VCF-style: chr11-1244489-T-G. GRCh37 (hg19) VCF-style: chr11-1265719-T-G.
Other names: short protein forms F2537V.
Identifiers: ClinVar variation 3388383 (VCV003388383.14).
Genomic context (GRCh38, chr11:1,244,489, plus strand): 5'-GGGACTGCAACCGCCCTTCCAGCACTGAGAAGCACAGCCACCACACCCACAGCTACCAGC[T>G]TTACAGCCATCCCCTCCTCCTCCCTGGGCACCACCTGGACCCGCCTATCACAGACCACCA-3'
Protein context (NP_002449.2, residues 2527-2547): STATTPTATS[Phe2537Val]TAIPSSSLGT

ClinVar aggregate classification (germline): Likely benign (1 of 4 stars; one submission).

Submission:

CeGaT Center for Human Genetics Tuebingen
Classification: Likely benign. Last evaluated: 2024-10-01. Review status: criteria provided, single submitter. Criteria: CeGaT Center For Human Genetics Tuebingen Variant Classification Criteria Version 2. Collection method: clinical testing. Allele origin: germline. Affected: yes. Observed: 1 variant allele.
Comment: MUC5B: BP4, BS1